The following is an entry in ClinVar:

ClinVar aggregate classification (germline): Uncertain significance (1 of 4 stars; one submission).

Submission:

GeneDx
Classification: Uncertain significance. Last evaluated: 2023-11-09. Review status: criteria provided, single submitter. Criteria: GeneDx Variant Classification Process June 2021. Collection method: clinical testing. Allele origin: germline. Affected: yes.
Comment: Not observed at significant frequency in large population cohorts (gnomAD); In silico analysis supports that this missense variant does not alter protein structure/function; Has not been previously published as pathogenic or benign to our knowledge

NM_001378120.1(MBD5):c.782C>T (p.Pro261Leu)

Gene: MBD5 (methyl-CpG binding domain protein 5; plus strand). Cytogenetic location: 2q23.1.
Variant type: single nucleotide variant.
Coding change: c.782C>T on transcript NM_001378120.1 (MANE Select); coding-DNA position 782, C replaced by T.
Protein change: p.Pro261Leu; replaces proline 261 with leucine.
Molecular consequence: missense variant.
Genome position (GRCh38, 1-based): chr2:148,468,725, C>T. VCF-style: chr2-148468725-C-T. GRCh37 (hg19) VCF-style: chr2-149226294-C-T.
Other names: c.782C>T, p.Pro261Leu (NM_018328.5); short protein forms P261L.
Identifiers: ClinVar variation 3363961 (VCV003363961.1).